The following is an entry in ClinVar:

ClinVar aggregate classification (germline): Uncertain significance (1 of 4 stars; one submission).

Conditions:
Osteogenesis imperfecta type I (OI1). Also called: Lobstein's Disease; OI, TYPE I; OSTEOGENESIS IMPERFECTA TARDA; OSTEOGENESIS IMPERFECTA WITH BLUE SCLERAE; Osteogenesis imperfecta type 1; Lobstein disease. Identifiers: Orphanet 216796, Orphanet 666, MedGen C0023931, MONDO:0008146, OMIM 166200. Disease mechanism: loss of function.
Ehlers-Danlos syndrome, classic type, 1 (EDSCL1). Also called: Ehlers-Danlos syndrome, type 1; EHLERS-DANLOS SYNDROME, GRAVIS TYPE; EHLERS-DANLOS SYNDROME, SEVERE CLASSIC TYPE; EDS I; Ehlers-Danlos Syndrome, Classic Type, COL5A1-Related. Identifiers: MedGen C0268335, MONDO:0019567, OMIM 130000.

Allele frequency attached by ClinVar (database versions not stated): gnomAD exomes 0.00001; TOPMed below 0.00001.
gnomAD v4.1: 1 of 1,614,158 alleles (0.000062%); no homozygotes.

Submission:

Labcorp Genetics (formerly Invitae), Labcorp
Classification: Uncertain significance for Osteogenesis imperfecta type I; Ehlers-Danlos syndrome, classic type, 1. Last evaluated: 2025-10-21. Review status: criteria provided, single submitter. Criteria: Invitae Variant Classification Sherloc (09022015). Collection method: clinical testing. Allele origin: germline.
Comment: This sequence change replaces proline, which is neutral and non-polar, with leucine, which is neutral and non-polar, at codon 536 of the COL1A2 protein (p.Pro536Leu). This variant is present in population databases (no rsID available, gnomAD 0.006%). This variant has not been reported in the literature in individuals affected with COL1A2-related conditions. ClinVar contains an entry for this variant (Variation ID: 960220). Invitae Evidence Modeling of protein sequence and biophysical properties (such as structural, functional, and spatial information, amino acid conservation, physicochemical variation, residue mobility, and thermodynamic stability) indicates that this missense variant is not expected to disrupt COL1A2 protein function with a negative predictive value of 95%. In summary, the available evidence is currently insufficient to determine the role of this variant in disease. Therefore, it has been classified as a Variant of Uncertain Significance.

NM_000089.4(COL1A2):c.1607C>T (p.Pro536Leu)

Gene: COL1A2 (collagen type I alpha 2 chain; plus strand). Cytogenetic location: 7q21.3.
Variant type: single nucleotide variant.
Coding change: c.1607C>T on transcript NM_000089.4 (MANE Select); coding-DNA position 1607, C replaced by T.
Protein change: p.Pro536Leu; replaces proline 536 with leucine.
Molecular consequence: missense variant.
Genome position (GRCh38, 1-based): chr7:94,413,739, C>T. VCF-style: chr7-94413739-C-T. GRCh37 (hg19) VCF-style: chr7-94043051-C-T.
Other names: short protein forms P536L.
Identifiers: ClinVar variation 960220 (VCV000960220.11), dbSNP rs1456907715, ClinGen allele CA368222199.